The following is an entry in ClinVar:

ClinVar aggregate classification (germline): Uncertain significance. Review status: criteria provided, multiple submitters, no conflicts (2 of 4 stars). 2 submissions from 2 submitters: Uncertain significance (2). Last evaluated 2023-02-21.

Conditions:
Rhabdoid tumor predisposition syndrome 2 (RTPS2). Identifiers: Orphanet 231108, Orphanet 69077, MedGen C2750074, MONDO:0013224, OMIM 613325.
Hereditary cancer-predisposing syndrome. Also called: Neoplastic Syndromes, Hereditary; Tumor predisposition; Hereditary neoplastic syndrome; Hereditary Cancer Syndrome. Identifiers: Orphanet 140162, MedGen C0027672, MeSH D009386, MONDO:0015356.

Allele frequency attached by ClinVar (database versions not stated): gnomAD exomes below 0.00001.
gnomAD v4.1: 1 of 1,536,330 alleles (0.000065%); highest among the groups gnomAD compares: South Asian, 0.0012%; no homozygotes.

Submissions (2):

Labcorp Genetics (formerly Invitae), Labcorp
Classification: Uncertain significance for Rhabdoid tumor predisposition syndrome 2. Last evaluated: 2023-02-21. Review status: criteria provided, single submitter. Criteria: Invitae Variant Classification Sherloc (09022015). Collection method: clinical testing. Allele origin: germline.
Comment: In summary, the available evidence is currently insufficient to determine the role of this variant in disease. Therefore, it has been classified as a Variant of Uncertain Significance. Advanced modeling of protein sequence and biophysical properties (such as structural, functional, and spatial information, amino acid conservation, physicochemical variation, residue mobility, and thermodynamic stability) has been performed at Invitae for this missense variant, however the output from this modeling did not meet the statistical confidence thresholds required to predict the impact of this variant on SMARCA4 protein function. ClinVar contains an entry for this variant (Variation ID: 827102). This variant has not been reported in the literature in individuals affected with SMARCA4-related conditions. This variant is not present in population databases (gnomAD no frequency). This sequence change replaces arginine, which is basic and polar, with threonine, which is neutral and polar, at codon 251 of the SMARCA4 protein (p.Arg251Thr).

Ambry Genetics
Classification: Uncertain significance for Hereditary cancer-predisposing syndrome. Last evaluated: 2019-02-11. Review status: criteria provided, single submitter. Criteria: Ambry Variant Classification Scheme 2023. Collection method: clinical testing. Allele origin: germline.
Comment: The p.R251T variant (also known as c.752G>C), located in coding exon 3 of the SMARCA4 gene, results from a G to C substitution at nucleotide position 752. The arginine at codon 251 is replaced by threonine, an amino acid with similar properties. This amino acid position is highly conserved in available vertebrate species. In addition, the in silico prediction for this alteration is inconclusive. Since supporting evidence is limited at this time, the clinical significance of this alteration remains unclear.

NM_003072.5(SMARCA4):c.752G>C (p.Arg251Thr)

Gene: SMARCA4 (SWI/SNF related BAF chromatin remodeling complex subunit ATPase 4; plus strand). Cytogenetic location: 19p13.2.
Variant type: single nucleotide variant.
Coding change: c.752G>C on transcript NM_003072.5 (MANE Select); coding-DNA position 752, G replaced by C.
Protein change: p.Arg251Thr; replaces arginine 251 with threonine.
Molecular consequence: missense variant. On other transcripts: non-coding transcript variant (1).
Genome position (GRCh38, 1-based): chr19:10,986,585, G>C. VCF-style: chr19-10986585-G-C. GRCh37 (hg19) VCF-style: chr19-11097261-G-C.
Other names: c.752G>C, p.Arg251Thr (NM_001128844.3, NM_001128845.2, NM_001128846.2 and 4 more transcripts); short protein forms R251T.
Identifiers: ClinVar variation 827102 (VCV000827102.7), dbSNP rs1599953658, ClinGen allele CA404057310.